The following is an entry in ClinVar:

ClinVar aggregate classification (germline): Benign/Likely benign. Review status: criteria provided, multiple submitters, no conflicts (2 of 4 stars). 8 submissions from 8 submitters: Benign (1); Likely benign (4). 3 of the submissions do not count toward it. Last evaluated 2025-09-10.

Conditions:
GJB3-related disorder. Also called: GJB3-related condition.
Erythrokeratodermia variabilis et progressiva 1 (EKVP1). Also called: ERYTHROKERATODERMIA FIGURATA, CONGENITAL FAMILIAL, IN PLAQUES; ERYTHROKERATODERMIA VARIABILIS WITH ERYTHEMA GYRATUM REPENS; ERYTHROKERATODERMIA, PROGRESSIVE SYMMETRIC. Identifiers: Orphanet 317, MedGen C4551486, MONDO:0033010, OMIM 133200.

Allele frequency attached by ClinVar (database versions not stated): ESP Exome Variant Server 0.00008; 1000 Genomes Project 30x 0.00016; 1000 Genomes Project 0.00020; TOPMed 0.00020; gnomAD 0.00025 and 0.00026; gnomAD exomes 0.00029 and 0.00030; ExAC 0.00032.
gnomAD v4.1: 483 of 1,614,080 alleles (0.03%); highest among the groups gnomAD compares: East Asian, 0.047%; no homozygotes.

Submissions (8):

Labcorp Genetics (formerly Invitae), Labcorp
Classification: Benign. Last evaluated: 2025-09-10. Review status: criteria provided, single submitter. Criteria: Invitae Variant Classification Sherloc (09022015). Collection method: clinical testing. Allele origin: germline.

Blueprint Genetics
Classification: Likely benign. Last evaluated: 2024-08-15. Review status: criteria provided, single submitter. Criteria: ACMG Guidelines, 2015. Collection method: clinical testing. Allele origin: germline.

CeGaT Center for Human Genetics Tuebingen
Classification: Likely benign. Last evaluated: 2022-05-01. Review status: criteria provided, single submitter. Criteria: CeGaT Center For Human Genetics Tuebingen Variant Classification Criteria Version 2. Collection method: clinical testing. Allele origin: germline. Affected: yes. Observed: 2 variant alleles.
Comment: GJB3: BP4, BP7

GeneDx
Classification: Likely benign. Last evaluated: 2018-02-06. Review status: criteria provided, single submitter. Criteria: GeneDx Variant Classification (06012015). Collection method: clinical testing. Allele origin: germline. Affected: yes.
Comment: This variant is considered likely benign or benign based on one or more of the following criteria: it is a conservative change, it occurs at a poorly conserved position in the protein, it is predicted to be benign by multiple in silico algorithms, and/or has population frequency not consistent with disease.

Illumina Laboratory Services, Illumina
Classification: Likely benign for Erythrokeratodermia variabilis et progressiva 1. Last evaluated: 2018-01-12. Review status: criteria provided, single submitter. Criteria: ICSL Variant Classification Criteria 13 December 2019. Collection method: clinical testing. Allele origin: germline.
Comment: This variant was observed in the ICSL laboratory as part of a predisposition screen in an ostensibly healthy population. It had not been previously curated by ICSL or reported in the Human Gene Mutation Database (HGMD: prior to June 1st, 2018), and was therefore a candidate for classification through an automated scoring system. Utilizing variant allele frequency, disease prevalence and penetrance estimates, and inheritance mode, an automated score was calculated to assess if this variant is too frequent to cause the disease. Based on the score and internal cut-off values, a variant classified as likely benign is not then subjected to further curation. The score for this variant resulted in a classification of likely benign for this disease.

PreventionGenetics, part of Exact Sciences
Classification: Likely benign for GJB3-related condition. Last evaluated: 2019-05-02. Review status: no assertion criteria provided. Collection method: clinical testing. Allele origin: germline. Not counted in ClinVar's aggregate classification.
Comment: This variant is classified as likely benign based on ACMG/AMP sequence variant interpretation guidelines (Richards et al. 2015 PMID: 25741868, with internal and published modifications).

Clinical Genetics, Academic Medical Center
Classification: Likely benign. Review status: no assertion criteria provided. Collection method: clinical testing. Allele origin: germline. Affected: yes. Study: VKGL Data-share Consensus. Not counted in ClinVar's aggregate classification.

Genome Diagnostics Laboratory, University Medical Center Utrecht
Classification: Likely benign. Review status: no assertion criteria provided. Collection method: clinical testing. Allele origin: germline. Affected: yes. Study: VKGL Data-share Consensus. Not counted in ClinVar's aggregate classification.

NM_024009.3(GJB3):c.264G>A (p.Ser88=)

Gene: GJB3 (gap junction protein beta 3; plus strand). Cytogenetic location: 1p34.3.
Variant type: single nucleotide variant.
Coding change: c.264G>A on transcript NM_024009.3 (MANE Select); coding-DNA position 264, G replaced by A.
Protein change: p.Ser88=; no amino-acid change (serine 88 retained).
Molecular consequence: synonymous variant.
Genome position (GRCh38, 1-based): chr1:34,785,026, G>A. VCF-style: chr1-34785026-G-A. GRCh37 (hg19) VCF-style: chr1-35250627-G-A.
Other names: c.264G>A, p.Ser88= (NM_001005752.2).
Identifiers: ClinVar variation 297192 (VCV000297192.58), dbSNP rs201469743, ClinGen allele CA754789.